The following is an entry in ClinVar:

NM_006019.4(TCIRG1):c.1469C>T (p.Ala490Val)

Gene: TCIRG1 (T cell immune regulator 1, ATPase H+ transporting V0 subunit a3; plus strand). Cytogenetic location: 11q13.2.
Variant type: single nucleotide variant.
Coding change: c.1469C>T on transcript NM_006019.4 (MANE Select); coding-DNA position 1469, C replaced by T.
Protein change: p.Ala490Val; replaces alanine 490 with valine.
Molecular consequence: missense variant.
Genome position (GRCh38, 1-based): chr11:68,047,887, C>T. VCF-style: chr11-68047887-C-T. GRCh37 (hg19) VCF-style: chr11-67815354-C-T.
Other names: c.575C>T, p.Ala192Val (NM_001351059.2); c.821C>T, p.Ala274Val (NM_006053.4); short protein forms A490V, A274V, A192V.
Identifiers: ClinVar variation 2042899 (VCV002042899.4), dbSNP rs2495648823, ClinGen allele CA381584433.
Genomic context (GRCh38, chr11:68,047,887, plus strand): 5'-GCTGGGGGCCCCGCAGCACCCGCAGCCCTGACCGCCCTCCCCTGCGTTGCCGCAGTGATG[C>T]ATTCCTGGCCCAGCACACGATGCTTACCCTGGATCCCAACGTCACCGGTGTCTTCCTGGG-3'
Protein context (NP_006010.2, residues 480-500): AMANQSGWSD[Ala490Val]FLAQHTMLTL

ClinVar aggregate classification (germline): Uncertain significance (1 of 4 stars; one submission).

Submission:

Labcorp Genetics (formerly Invitae), Labcorp
Classification: Uncertain significance. Last evaluated: 2021-12-14. Review status: criteria provided, single submitter. Criteria: Invitae Variant Classification Sherloc (09022015). Collection method: clinical testing. Allele origin: germline.
Comment: This sequence change replaces alanine, which is neutral and non-polar, with valine, which is neutral and non-polar, at codon 490 of the TCIRG1 protein (p.Ala490Val). This variant is not present in population databases (gnomAD no frequency). This variant has not been reported in the literature in individuals affected with TCIRG1-related conditions. Algorithms developed to predict the effect of missense changes on protein structure and function (SIFT, PolyPhen-2, Align-GVGD) all suggest that this variant is likely to be tolerated. In summary, the available evidence is currently insufficient to determine the role of this variant in disease. Therefore, it has been classified as a Variant of Uncertain Significance.